The following is an entry in ClinVar:

ClinVar aggregate classification (germline): Uncertain significance (1 of 4 stars; one submission).

Allele frequency attached by ClinVar (database versions not stated): gnomAD exomes below 0.00001 and 0.00002.
gnomAD v4.1: 11 of 1,614,218 alleles (0.00068%); highest among the groups gnomAD compares: Non-Finnish European, 0.00093%; no homozygotes.

Submission:

Labcorp Genetics (formerly Invitae), Labcorp
Classification: Uncertain significance. Last evaluated: 2020-12-02. Review status: criteria provided, single submitter. Criteria: Invitae Variant Classification Sherloc (09022015). Collection method: clinical testing. Allele origin: germline.
Comment: In summary, the available evidence is currently insufficient to determine the role of this variant in disease. Therefore, it has been classified as a Variant of Uncertain Significance. Experimental studies and prediction algorithms are not available or were not evaluated, and the functional significance of this variant is currently unknown. This variant has not been reported in the literature in individuals with GPR179-related conditions. This variant is not present in population databases (ExAC no frequency). This sequence change creates a premature translational stop signal (p.Gln2145*) in the GPR179 gene. While this is not anticipated to result in nonsense mediated decay, it is expected to disrupt the last 223 amino acid(s) of the GPR179 protein.

NM_001004334.4(GPR179):c.6433C>T (p.Gln2145Ter)

Gene: GPR179 (G protein-coupled receptor 179; minus strand). Cytogenetic location: 17q12.
Variant type: single nucleotide variant.
Coding change: c.6433C>T on transcript NM_001004334.4 (MANE Select); coding-DNA position 6433, C replaced by T.
Protein change: p.Gln2145Ter; replaces glutamine 2145 with a stop codon.
Molecular consequence: nonsense.
Genome position (GRCh38, 1-based): chr17:38,327,136, G>A on the plus strand (C>T on the coding strand, the complement: GPR179 is on the minus strand). VCF-style: chr17-38327136-G-A. GRCh37 (hg19) VCF-style: chr17-36483019-G-A.
Other names: short protein forms Q2145*.
Identifiers: ClinVar variation 1505002 (VCV001505002.6), dbSNP rs1381234821, ClinGen allele CA398869452.